The following is an entry in ClinVar:

ClinVar aggregate classification (germline): Uncertain significance. Review status: criteria provided, multiple submitters, no conflicts (2 of 4 stars). 2 submissions from 2 submitters: Uncertain significance (2). Last evaluated 2025-04-12.

Conditions:
Hereditary cancer-predisposing syndrome. Also called: Hereditary Cancer Syndrome; Hereditary neoplastic syndrome; Neoplastic Syndromes, Hereditary; Tumor predisposition. Identifiers: Orphanet 140162, MedGen C0027672, MeSH D009386, MONDO:0015356.

Allele frequency attached by ClinVar (database versions not stated): gnomAD exomes 0.00001.

Submissions (2):

Ambry Genetics
Classification: Uncertain significance for Hereditary cancer-predisposing syndrome. Last evaluated: 2025-04-12. Review status: criteria provided, single submitter. Criteria: Ambry Variant Classification Scheme 2023. Collection method: clinical testing. Allele origin: germline.
Comment: The p.S471L variant (also known as c.1412C>T), located in coding exon 9 of the RAD50 gene, results from a C to T substitution at nucleotide position 1412. The serine at codon 471 is replaced by leucine, an amino acid with dissimilar properties. This amino acid position is highly conserved in available vertebrate species. In addition, the in silico prediction for this alteration is inconclusive. Since supporting evidence is limited at this time, the clinical significance of this alteration remains unclear.

Labcorp Genetics (formerly Invitae), Labcorp
Classification: Uncertain significance for Hereditary cancer-predisposing syndrome. Last evaluated: 2023-09-19. Review status: criteria provided, single submitter. Criteria: Invitae Variant Classification Sherloc (09022015). Collection method: clinical testing. Allele origin: germline.
Comment: In summary, the available evidence is currently insufficient to determine the role of this variant in disease. Therefore, it has been classified as a Variant of Uncertain Significance. This sequence change replaces serine, which is neutral and polar, with leucine, which is neutral and non-polar, at codon 471 of the RAD50 protein (p.Ser471Leu). This variant is not present in population databases (gnomAD no frequency). This variant has not been reported in the literature in individuals affected with RAD50-related conditions. ClinVar contains an entry for this variant (Variation ID: 408362). Advanced modeling of protein sequence and biophysical properties (such as structural, functional, and spatial information, amino acid conservation, physicochemical variation, residue mobility, and thermodynamic stability) performed at Invitae indicates that this missense variant is expected to disrupt RAD50 protein function.

NM_005732.4(RAD50):c.1412C>T (p.Ser471Leu)

Gene: RAD50 (RAD50 double strand break repair protein; plus strand). Cytogenetic location: 5q31.1.
Variant type: single nucleotide variant.
Coding change: c.1412C>T on transcript NM_005732.4 (MANE Select); coding-DNA position 1412, C replaced by T.
Protein change: p.Ser471Leu; replaces serine 471 with leucine.
Molecular consequence: missense variant.
Genome position (GRCh38, 1-based): chr5:132,589,797, C>T. VCF-style: chr5-132589797-C-T. GRCh37 (hg19) VCF-style: chr5-131925489-C-T.
Other names: short protein forms S471L.
Identifiers: ClinVar variation 408362 (VCV000408362.16), dbSNP rs1060501946, ClinGen allele CA16611819.